The following is an entry in ClinVar:

NM_016247.4(IMPG2):c.1706T>C (p.Leu569Ser)

Gene: IMPG2 (interphotoreceptor matrix proteoglycan 2; minus strand). Cytogenetic location: 3q12.3.
Variant type: single nucleotide variant.
Coding change: c.1706T>C on transcript NM_016247.4 (MANE Select); coding-DNA position 1706, T replaced by C.
Protein change: p.Leu569Ser; replaces leucine 569 with serine.
Molecular consequence: missense variant.
Genome position (GRCh38, 1-based): chr3:101,244,625, A>G on the plus strand (T>C on the coding strand, the complement: IMPG2 is on the minus strand). VCF-style: chr3-101244625-A-G. GRCh37 (hg19) VCF-style: chr3-100963469-A-G.
Other names: c.1706T>C (NM_016247.3); short protein forms L569S.
Identifiers: ClinVar variation 1053317 (VCV001053317.11), dbSNP rs767836827, ClinGen allele CA2519105.

ClinVar aggregate classification (germline): Uncertain significance. Review status: criteria provided, multiple submitters, no conflicts (2 of 4 stars). 3 submissions from 3 submitters: Uncertain significance (3). Last evaluated 2025-07-01.

Conditions:
Inborn genetic diseases. Identifiers: MedGen C0950123, MeSH D030342.

Allele frequency attached by ClinVar (database versions not stated): ExAC 0.00001; gnomAD 0.00001; TOPMed 0.00001; gnomAD exomes 0.00003 and below 0.00001.
gnomAD v4.1: 36 of 1,604,200 alleles (0.0022%); highest among the groups gnomAD compares: Non-Finnish European, 0.0031%; no homozygotes.

Submissions (3):

Ambry Genetics
Classification: Uncertain significance for Inborn genetic diseases. Last evaluated: 2025-07-01. Review status: criteria provided, single submitter. Criteria: Ambry Variant Classification Scheme 2023. Collection method: clinical testing. Allele origin: germline.

Labcorp Genetics (formerly Invitae), Labcorp
Classification: Uncertain significance. Last evaluated: 2024-02-24. Review status: criteria provided, single submitter. Criteria: Invitae Variant Classification Sherloc (09022015). Collection method: clinical testing. Allele origin: germline.
Comment: This sequence change replaces leucine, which is neutral and non-polar, with serine, which is neutral and polar, at codon 569 of the IMPG2 protein (p.Leu569Ser). This variant is present in population databases (rs767836827, gnomAD 0.0009%). This variant has not been reported in the literature in individuals affected with IMPG2-related conditions. ClinVar contains an entry for this variant (Variation ID: 1053317). Advanced modeling of protein sequence and biophysical properties (such as structural, functional, and spatial information, amino acid conservation, physicochemical variation, residue mobility, and thermodynamic stability) performed at Invitae indicates that this missense variant is not expected to disrupt IMPG2 protein function with a negative predictive value of 80%. In summary, the available evidence is currently insufficient to determine the role of this variant in disease. Therefore, it has been classified as a Variant of Uncertain Significance.

Blueprint Genetics
Classification: Uncertain significance. Last evaluated: 2022-06-15. Review status: criteria provided, single submitter. Criteria: ACMG Guidelines, 2015. Collection method: clinical testing. Allele origin: germline.